The following is an entry in ClinVar:

ClinVar aggregate classification (germline): Uncertain significance (1 of 4 stars; one submission).

Submission:

Labcorp Genetics (formerly Invitae), Labcorp
Classification: Uncertain significance. Last evaluated: 2022-02-18. Review status: criteria provided, single submitter. Criteria: Invitae Variant Classification Sherloc (09022015). Collection method: clinical testing. Allele origin: germline.
Comment: In summary, the available evidence is currently insufficient to determine the role of this variant in disease. Therefore, it has been classified as a Variant of Uncertain Significance. Advanced modeling of protein sequence and biophysical properties (such as structural, functional, and spatial information, amino acid conservation, physicochemical variation, residue mobility, and thermodynamic stability) performed at Invitae indicates that this missense variant is expected to disrupt DCHS1 protein function. This variant has not been reported in the literature in individuals affected with DCHS1-related conditions. This variant is not present in population databases (gnomAD no frequency). This sequence change replaces alanine, which is neutral and non-polar, with glycine, which is neutral and non-polar, at codon 2249 of the DCHS1 protein (p.Ala2249Gly).

NM_003737.4(DCHS1):c.6746C>G (p.Ala2249Gly)

Gene: DCHS1 (dachsous cadherin-related 1; minus strand). Cytogenetic location: 11p15.4.
Variant type: single nucleotide variant.
Coding change: c.6746C>G on transcript NM_003737.4 (MANE Select); coding-DNA position 6746, C replaced by G.
Protein change: p.Ala2249Gly; replaces alanine 2249 with glycine.
Molecular consequence: missense variant.
Genome position (GRCh38, 1-based): chr11:6,625,713, G>C on the plus strand (C>G on the coding strand, the complement: DCHS1 is on the minus strand). VCF-style: chr11-6625713-G-C. GRCh37 (hg19) VCF-style: chr11-6646944-G-C.
Other names: short protein forms A2249G.
Identifiers: ClinVar variation 2098386 (VCV002098386.4), dbSNP rs753999808, ClinGen allele CA379484561.